The following is an entry in ClinVar:

NM_004984.4(KIF5A):c.157T>C (p.Phe53Leu)

Gene: KIF5A (kinesin family member 5A; plus strand). Cytogenetic location: 12q13.3.
Variant type: single nucleotide variant.
Coding change: c.157T>C on transcript NM_004984.4 (MANE Select); coding-DNA position 157, T replaced by C.
Protein change: p.Phe53Leu; replaces phenylalanine 53 with leucine.
Molecular consequence: missense variant. On other transcripts: intron variant (1).
Genome position (GRCh38, 1-based): chr12:57,563,466, T>C. VCF-style: chr12-57563466-T-C. GRCh37 (hg19) VCF-style: chr12-57957249-T-C.
Other names: c.130-994T>C (NM_001354705.2); short protein forms F53L.
Identifiers: ClinVar variation 2755457 (VCV002755457.3), dbSNP rs2540492896, ClinGen allele CA385492393.

ClinVar aggregate classification (germline): Uncertain significance (1 of 4 stars; one submission).

Conditions:
Spastic paraplegia. Identifiers: MedGen C0037772, HP:0001258.

Submission:

Labcorp Genetics (formerly Invitae), Labcorp
Classification: Uncertain significance for Spastic paraplegia. Last evaluated: 2023-08-27. Review status: criteria provided, single submitter. Criteria: Invitae Variant Classification Sherloc (09022015). Collection method: clinical testing. Allele origin: germline.
Comment: This sequence change replaces phenylalanine, which is neutral and non-polar, with leucine, which is neutral and non-polar, at codon 53 of the KIF5A protein (p.Phe53Leu). This variant is not present in population databases (gnomAD no frequency). This variant has not been reported in the literature in individuals affected with KIF5A-related conditions. Advanced modeling of protein sequence and biophysical properties (such as structural, functional, and spatial information, amino acid conservation, physicochemical variation, residue mobility, and thermodynamic stability) has been performed at Invitae for this missense variant, however the output from this modeling did not meet the statistical confidence thresholds required to predict the impact of this variant on KIF5A protein function. In summary, the available evidence is currently insufficient to determine the role of this variant in disease. Therefore, it has been classified as a Variant of Uncertain Significance.